The following is an entry in ClinVar:

ClinVar aggregate classification (germline): Uncertain significance. Review status: criteria provided, multiple submitters, no conflicts (2 of 4 stars). 3 submissions from 3 submitters: Uncertain significance (3). Last evaluated 2024-11-18.

Conditions:
Inborn genetic diseases. Identifiers: MedGen C0950123, MeSH D030342.

Allele frequency attached by ClinVar (database versions not stated): ExAC 0.00004.
gnomAD v4.1: 41 of 1,612,202 alleles (0.0025%); highest among the groups gnomAD compares: Non-Finnish European, 0.0033%; no homozygotes.

Submissions (3):

Ambry Genetics
Classification: Uncertain significance for Inborn genetic diseases. Last evaluated: 2024-11-18. Review status: criteria provided, single submitter. Criteria: Ambry Variant Classification Scheme 2023. Collection method: clinical testing. Allele origin: germline.
Comment: The p.D730Y variant (also known as c.2188G>T), located in coding exon 21 of the ANKRD26 gene, results from a G to T substitution at nucleotide position 2188. The aspartic acid at codon 730 is replaced by tyrosine, an amino acid with highly dissimilar properties. This amino acid position is conserved. In addition, this alteration is predicted to be tolerated by in silico analysis. Based on the available evidence, the clinical significance of this variant remains unclear.

GeneDx
Classification: Uncertain significance. Last evaluated: 2024-06-05. Review status: criteria provided, single submitter. Criteria: GeneDx Variant Classification Process June 2021. Collection method: clinical testing. Allele origin: germline. Affected: yes.
Comment: Not observed at significant frequency in large population cohorts (gnomAD); In silico analysis supports that this missense variant has a deleterious effect on protein structure/function; Has not been previously published as pathogenic or benign to our knowledge

Labcorp Genetics (formerly Invitae), Labcorp
Classification: Uncertain significance. Last evaluated: 2023-12-25. Review status: criteria provided, single submitter. Criteria: Invitae Variant Classification Sherloc (09022015). Collection method: clinical testing. Allele origin: germline.
Comment: This sequence change replaces aspartic acid, which is acidic and polar, with tyrosine, which is neutral and polar, at codon 730 of the ANKRD26 protein (p.Asp730Tyr). This variant is present in population databases (rs767255528, gnomAD 0.005%). This variant has not been reported in the literature in individuals affected with ANKRD26-related conditions. ClinVar contains an entry for this variant (Variation ID: 2179096). An algorithm developed to predict the effect of missense changes on protein structure and function (PolyPhen-2) suggests that this variant is likely to be disruptive. In summary, the available evidence is currently insufficient to determine the role of this variant in disease. Therefore, it has been classified as a Variant of Uncertain Significance.

NM_014915.3(ANKRD26):c.2188G>T (p.Asp730Tyr)

Gene: ANKRD26 (ankyrin repeat domain 26; minus strand). Cytogenetic location: 10p12.1.
Variant type: single nucleotide variant.
Coding change: c.2188G>T on transcript NM_014915.3 (MANE Select); coding-DNA position 2188, G replaced by T.
Protein change: p.Asp730Tyr; replaces aspartic acid 730 with tyrosine.
Molecular consequence: missense variant.
Genome position (GRCh38, 1-based): chr10:27,040,152, C>A on the plus strand (G>T on the coding strand, the complement: ANKRD26 is on the minus strand). VCF-style: chr10-27040152-C-A. GRCh37 (hg19) VCF-style: chr10-27329081-C-A.
Other names: c.2185G>T, p.Asp729Tyr (NM_001256053.2); short protein forms D730Y, D729Y.
Identifiers: ClinVar variation 2179096 (VCV002179096.6), dbSNP rs767255528, ClinGen allele CA5448272.
Genomic context (GRCh38, chr10:27,040,152, plus strand): 5'-TAAGTAGTTCACAGTGATTTTTTTTAAGTTCTAATAATCTTTCACATGAAAGAGCTGCAT[C>A]CTGGATTTTCAATAGGCTAACAGAATCTGTATCAGGAAGAAAACAAGATAGAAATATATG-3'
Protein context (NP_055730.2, residues 720-740): KDSVSLLKIQ[Asp730Tyr]AALSCERLLE